The following is an entry in ClinVar:

NM_015176.4(FBXO28):c.1042C>G (p.Arg348Gly)

Gene: FBXO28 (F-box protein 28; plus strand). Cytogenetic location: 1q42.11.
Variant type: single nucleotide variant.
Coding change: c.1042C>G on transcript NM_015176.4 (MANE Select); coding-DNA position 1042, C replaced by G.
Protein change: p.Arg348Gly; replaces arginine 348 with glycine.
Molecular consequence: missense variant. On other transcripts: 3 prime UTR variant (1), non-coding transcript variant (1).
Genome position (GRCh38, 1-based): chr1:224,157,681, C>G. VCF-style: chr1-224157681-C-G. GRCh37 (hg19) VCF-style: chr1-224345383-C-G.
Other names: c.1042C>G (NM_015176.2); c.*306C>G (NM_001136115.3); short protein forms R348G.
Identifiers: ClinVar variation 1343398 (VCV001343398.2), dbSNP rs2102638590, ClinGen allele CA344706188.
Genomic context (GRCh38, chr1:224,157,681, plus strand): 5'-ATGGAAAGTGCTGTAGGAAATTCCTCAGGGTCCGGGCAGAATGAGGAGTCTCCTCGGAAA[C>G]GAAAAAAGGCCACGGAAGCCATAGACTCTCTTAGGAAATCTAAACGTCTTCGGAATAGAA-3'
Protein context (NP_055991.1, residues 338-358): SGQNEESPRK[Arg348Gly]KKATEAIDSL

ClinVar aggregate classification (germline): Likely pathogenic. Review status: criteria provided, single submitter (1 of 4 stars). 2 submissions from 2 submitters: Likely pathogenic (1). 1 of the submissions does not count toward it. Last evaluated 2026-04-22.

Conditions:
Inborn genetic diseases. Identifiers: MedGen C0950123, MeSH D030342.
Developmental and epileptic encephalopathy 100 (DEE100). Identifiers: MedGen C5676932, MONDO:0030695, OMIM 619777.

Submissions (2):

Ambry Genetics
Classification: Likely pathogenic for Inborn genetic diseases. Last evaluated: 2026-04-22. Review status: criteria provided, single submitter. Criteria: Ambry Variant Classification Scheme 2023. Collection method: clinical testing. Allele origin: germline.
Comment: The c.1042C>G (p.R348G) alteration is located in coding exon 5 of the FBXO28 gene. This alteration results from a C to G substitution at nucleotide position 1042, causing the arginine (R) at amino acid position 348 to be replaced by a glycine (G). This variant was not reported in population-based cohorts in the Genome Aggregation Database (gnomAD). This variant was determined to be de novo or the result of germline mosaicism in at least one individual with features consistent with FBXO28-related developmental and epileptic encephalopathy (Schneider, 2021). Additionally, another variant at the same codon, c.1043G>T (p.R348L), has been identified in individual(s) with features consistent with FBXO28-related developmental and epileptic encephalopathy (Schneider, 2021). This amino acid position is highly conserved in available vertebrate species. The in silico prediction for this alteration is inconclusive. Based on the available evidence, this alteration is classified as likely pathogenic.

OMIM
Classification: Pathogenic for DEVELOPMENTAL AND EPILEPTIC ENCEPHALOPATHY 100. Last evaluated: 2022-03-09. Review status: no assertion criteria provided. Collection method: literature only. Allele origin: germline. Not counted in ClinVar's aggregate classification.

Literature cited by the submitters: PubMed 25356899 (cited by Ambry Genetics); PubMed 33280099 (cited by Ambry Genetics and OMIM).